The following is an entry in ClinVar:

NM_152490.5(B3GALNT2):c.59G>A (p.Trp20Ter)

Gene: B3GALNT2 (beta-1,3-N-acetylgalactosaminyltransferase 2; minus strand). Cytogenetic location: 1q42.3.
Variant type: single nucleotide variant.
Coding change: c.59G>A on transcript NM_152490.5 (MANE Select); coding-DNA position 59, G replaced by A.
Protein change: p.Trp20Ter; replaces tryptophan 20 with a stop codon.
Molecular consequence: nonsense.
Genome position (GRCh38, 1-based): chr1:235,504,194, C>T on the plus strand (G>A on the coding strand, the complement: B3GALNT2 is on the minus strand). VCF-style: chr1-235504194-C-T. GRCh37 (hg19) VCF-style: chr1-235667494-C-T.
Other names: c.59G>A, p.Trp20Ter (NM_001277155.3); short protein forms W20*.
Identifiers: ClinVar variation 1074962 (VCV001074962.5), dbSNP rs2102880436, ClinGen allele CA344937095.

ClinVar aggregate classification (germline): Pathogenic (1 of 4 stars; one submission).

Conditions:
Muscular dystrophy-dystroglycanopathy (congenital with brain and eye anomalies), type a, 11 (MDDGA11). Also called: Congenital muscular dystrophy-dystroglycanopathy with brain and eye anomalies, type A11; Muscular dystrophy-dystroglycanopathy (congenital with brain and eye anomalies, type A, 11; WALKER-WARBURG SYNDROME OR MUSCLE-EYE-BRAIN DISEASE, B3GALNT2-RELATED. Identifiers: Orphanet 588, Orphanet 899, MedGen C3554638, MONDO:0014071, OMIM 615181.

Submission:

Labcorp Genetics (formerly Invitae), Labcorp
Classification: Pathogenic for Muscular dystrophy-dystroglycanopathy (congenital with brain and eye anomalies), type a, 11. Last evaluated: 2020-10-08. Review status: criteria provided, single submitter. Criteria: Invitae Variant Classification Sherloc (09022015). Collection method: clinical testing. Allele origin: germline.
Comment: The frequency data for this variant in the population databases is considered unreliable, as metrics indicate insufficient coverage at this position in the ExAC database. This sequence change creates a premature translational stop signal (p.Trp20*) in the B3GALNT2 gene. It is expected to result in an absent or disrupted protein product. This variant has not been reported in the literature in individuals with B3GALNT2-related conditions. Algorithms developed to predict the effect of sequence changes on RNA splicing suggest that this variant may create or strengthen a splice site, but this prediction has not been confirmed by published transcriptional studies. Loss-of-function variants in B3GALNT2 are known to be pathogenic (PMID: 23453667). For these reasons, this variant has been classified as Pathogenic.

Literature cited by the submitters: PubMed 23453667.